The following is an entry in ClinVar:

NM_001142800.2(EYS):c.6911G>A (p.Gly2304Glu)

Gene: EYS (eyes shut homolog; minus strand). Cytogenetic location: 6q12.
Variant type: single nucleotide variant.
Coding change: c.6911G>A on transcript NM_001142800.2 (MANE Select); coding-DNA position 6911, G replaced by A.
Protein change: p.Gly2304Glu; replaces glycine 2304 with glutamic acid.
Molecular consequence: missense variant.
Genome position (GRCh38, 1-based): chr6:63,984,527, C>T on the plus strand (G>A on the coding strand, the complement: EYS is on the minus strand). VCF-style: chr6-63984527-C-T. GRCh37 (hg19) VCF-style: chr6-64694420-C-T.
Other names: c.6911G>A, p.Gly2304Glu (NM_001292009.2); short protein forms G2304E.
Identifiers: ClinVar variation 962028 (VCV000962028.6), dbSNP rs773046364, ClinGen allele CA3876865.

ClinVar aggregate classification (germline): Uncertain significance. Review status: criteria provided, multiple submitters, no conflicts (2 of 4 stars). 3 submissions from 3 submitters: Uncertain significance (2). 1 of the submissions does not count toward it. Last evaluated 2022-07-12.

Conditions:
Retinitis pigmentosa 25 (RP25). Identifiers: Orphanet 791, MedGen C1864446, MONDO:0011272, OMIM 602772.

Allele frequency attached by ClinVar (database versions not stated): gnomAD exomes below 0.00001 and 0.00001; ExAC 0.00009.
gnomAD v4.1: 6 of 1,549,502 alleles (0.00039%); highest among the groups gnomAD compares: South Asian, 0.0048%; no homozygotes.

Submissions (3):

Labcorp Genetics (formerly Invitae), Labcorp
Classification: Uncertain significance. Last evaluated: 2022-07-12. Review status: criteria provided, single submitter. Criteria: Invitae Variant Classification Sherloc (09022015). Collection method: clinical testing. Allele origin: germline.
Comment: This sequence change replaces glycine, which is neutral and non-polar, with glutamic acid, which is acidic and polar, at codon 2304 of the EYS protein (p.Gly2304Glu). This variant is present in population databases (rs773046364, gnomAD 0.009%). This missense change has been observed in individuals with retinitis pigmentosa (Invitae). ClinVar contains an entry for this variant (Variation ID: 962028). Algorithms developed to predict the effect of missense changes on protein structure and function (SIFT, PolyPhen-2, Align-GVGD) all suggest that this variant is likely to be disruptive. In summary, the available evidence is currently insufficient to determine the role of this variant in disease. Therefore, it has been classified as a Variant of Uncertain Significance.

GeneDx
Classification: Uncertain significance. Last evaluated: 2019-11-27. Review status: criteria provided, single submitter. Criteria: GeneDx Variant Classification Process June 2021. Collection method: clinical testing. Allele origin: germline. Affected: yes.
Comment: In silico analysis, which includes protein predictors and evolutionary conservation, supports that this variant does not alter protein structure/function; Has not been previously published as pathogenic or benign to our knowledge

Natera, Inc.
Classification: Uncertain significance for Retinitis pigmentosa type 25. Last evaluated: 2020-09-18. Review status: no assertion criteria provided. Collection method: clinical testing. Allele origin: germline. Not counted in ClinVar's aggregate classification.